The following is an entry in ClinVar:

ClinVar aggregate classification (germline): Uncertain significance (1 of 4 stars; one submission).

Allele frequency attached by ClinVar (database versions not stated): gnomAD 0.00001.
gnomAD v4.1: 1 of 1,613,962 alleles (0.000062%); highest among the groups gnomAD compares: Non-Finnish European, 0.000085%; no homozygotes.

Submission:

Ambry Genetics
Classification: Uncertain significance. Last evaluated: 2022-02-06. Review status: criteria provided, single submitter. Criteria: Ambry Variant Classification Scheme 2023. Collection method: clinical testing. Allele origin: germline.
Comment: The p.T315I variant (also known as c.944C>T), located in coding exon 3 of the ALPK2 gene, results from a C to T substitution at nucleotide position 944. The threonine at codon 315 is replaced by isoleucine, an amino acid with similar properties. This amino acid position is conserved. In addition, this alteration is predicted to be tolerated by in silico analysis. Since supporting evidence is limited at this time, the clinical significance of this alteration remains unclear.

NM_052947.4(ALPK2):c.944C>T (p.Thr315Ile)

Genes: ALPK2 (alpha kinase 2; minus strand), LOC114803473 (ALPK2 eExon liver enhancer; plus strand). Cytogenetic location: 18q21.31.
Variant type: single nucleotide variant.
Coding change: c.944C>T on transcript NM_052947.4 (MANE Select); coding-DNA position 944, C replaced by T.
Protein change: p.Thr315Ile; replaces threonine 315 with isoleucine.
Molecular consequence: missense variant.
Genome position (GRCh38, 1-based): chr18:58,579,832, G>A on the plus strand (C>T on the coding strand, the complement: ALPK2 is on the minus strand). VCF-style: chr18-58579832-G-A. GRCh37 (hg19) VCF-style: chr18-56247064-G-A.
Other names: short protein forms T315I.
Identifiers: ClinVar variation 1766989 (VCV001766989.2), dbSNP rs2051946967, ClinGen allele CA402566650.